The following is an entry in ClinVar:

ClinVar aggregate classification (germline): Uncertain significance (1 of 4 stars; one submission).

Allele frequency attached by ClinVar (database versions not stated): gnomAD exomes 0.00001; ExAC 0.00002; TOPMed below 0.00001; gnomAD 0.00001.

Submission:

Labcorp Genetics (formerly Invitae), Labcorp
Classification: Uncertain significance. Last evaluated: 2024-05-28. Review status: criteria provided, single submitter. Criteria: Invitae Variant Classification Sherloc (09022015). Collection method: clinical testing. Allele origin: germline.
Comment: This sequence change replaces aspartic acid, which is acidic and polar, with asparagine, which is neutral and polar, at codon 295 of the VCAN protein (p.Asp295Asn). This variant is present in population databases (rs757070887, gnomAD 0.01%). This variant has not been reported in the literature in individuals affected with VCAN-related conditions. An algorithm developed to predict the effect of missense changes on protein structure and function (PolyPhen-2) suggests that this variant is likely to be disruptive. In summary, the available evidence is currently insufficient to determine the role of this variant in disease. Therefore, it has been classified as a Variant of Uncertain Significance.

NM_004385.5(VCAN):c.883G>A (p.Asp295Asn)

Gene: VCAN (versican; plus strand). Cytogenetic location: 5q14.3.
Variant type: single nucleotide variant.
Coding change: c.883G>A on transcript NM_004385.5 (MANE Select); coding-DNA position 883, G replaced by A.
Protein change: p.Asp295Asn; replaces aspartic acid 295 with asparagine.
Molecular consequence: missense variant.
Genome position (GRCh38, 1-based): chr5:83,512,237, G>A. VCF-style: chr5-83512237-G-A. GRCh37 (hg19) VCF-style: chr5-82808056-G-A.
Other names: c.883G>A, p.Asp295Asn (NM_001126336.3, NM_001164097.2, NM_001164098.2); short protein forms D295N.
Identifiers: ClinVar variation 3007421 (VCV003007421.3), dbSNP rs757070887, ClinGen allele CA3332547.